The following is an entry in ClinVar:

ClinVar aggregate classification (germline): Uncertain significance (1 of 4 stars; one submission).

Conditions:
Familial adenomatous polyposis 2. Also called: COLORECTAL ADENOMATOUS POLYPOSIS, AUTOSOMAL RECESSIVE; ADENOMAS, MULTIPLE COLORECTAL, AUTOSOMAL RECESSIVE; MYH-associated polyposis; MUTYH Polyposis; Adenomas, multiple colorectal; MUTYH-associated polyposis. Identifiers: Orphanet 220460, Orphanet 247798, MedGen C3272841, MONDO:0012041, OMIM 608456.

Allele frequency attached by ClinVar (database versions not stated): gnomAD exomes below 0.00001.
gnomAD v4.1: 1 of 1,614,130 alleles (0.000062%); highest among the groups gnomAD compares: Non-Finnish European, 0.000085%; no homozygotes.

Submission:

Labcorp Genetics (formerly Invitae), Labcorp
Classification: Uncertain significance for Familial adenomatous polyposis 2. Last evaluated: 2018-12-19. Review status: criteria provided, single submitter. Criteria: Invitae Variant Classification Sherloc (09022015). Collection method: clinical testing. Allele origin: germline.
Comment: This sequence change replaces alanine with threonine at codon 163 of the MUTYH protein (p.Ala163Thr). The alanine residue is highly conserved and there is a small physicochemical difference between alanine and threonine. In summary, the available evidence is currently insufficient to determine the role of this variant in disease. Therefore, it has been classified as a Variant of Uncertain Significance. Algorithms developed to predict the effect of missense changes on protein structure and function (SIFT, PolyPhen-2, Align-GVGD) all suggest that this variant is likely to be disruptive, but these predictions have not been confirmed by published functional studies and their clinical significance is uncertain. This variant has not been reported in the literature in individuals with MUTYH-related conditions. This variant is not present in population databases (ExAC no frequency).

NM_001048174.2(MUTYH):c.403G>A (p.Ala135Thr)

Gene: MUTYH (mutY DNA glycosylase; minus strand). Cytogenetic location: 1p34.1.
Variant type: single nucleotide variant.
Coding change: c.403G>A on transcript NM_001048174.2 (MANE Select); coding-DNA position 403, G replaced by A.
Protein change: p.Ala135Thr; replaces alanine 135 with threonine.
Molecular consequence: missense variant. On other transcripts: non-coding transcript variant (2).
Genome position (GRCh38, 1-based): chr1:45,332,935, C>T on the plus strand (G>A on the coding strand, the complement: MUTYH is on the minus strand). VCF-style: chr1-45332935-C-T. GRCh37 (hg19) VCF-style: chr1-45798607-C-T.
Other names: c.403G>A, p.Ala135Thr (NM_001048171.2, NM_001048173.2, NM_001293195.2); c.406G>A, p.Ala136Thr (NM_001048172.2); c.487G>A, p.Ala163Thr (NM_001128425.2); c.448G>A, p.Ala150Thr (NM_001293190.2); c.436G>A, p.Ala146Thr (NM_001293191.2); c.127G>A, p.Ala43Thr (NM_001293192.2, NM_001293196.2); c.58G>A, p.Ala20Thr (NM_001350650.2, NM_001350651.2); c.478G>A, p.Ala160Thr (NM_012222.3); short protein forms A146T, A20T, A160T, A163T, A136T, A150T, A43T, A135T.
Identifiers: ClinVar variation 650896 (VCV000650896.8), dbSNP rs1570427764, ClinGen allele CA340135953.